The following is an entry in ClinVar:

NM_017612.5(ZCCHC8):c.1985A>C (p.Asp662Ala)

Gene: ZCCHC8 (zinc finger CCHC-type containing 8; minus strand). Cytogenetic location: 12q24.31.
Variant type: single nucleotide variant.
Coding change: c.1985A>C on transcript NM_017612.5 (MANE Select); coding-DNA position 1985, A replaced by C.
Protein change: p.Asp662Ala; replaces aspartic acid 662 with alanine.
Molecular consequence: missense variant.
Genome position (GRCh38, 1-based): chr12:122,473,636, T>G on the plus strand (A>C on the coding strand, the complement: ZCCHC8 is on the minus strand). VCF-style: chr12-122473636-T-G. GRCh37 (hg19) VCF-style: chr12-122958183-T-G.
Other names: c.1754A>C, p.Asp585Ala (NM_001350935.2); c.1688A>C, p.Asp563Ala (NM_001350936.2); c.1271A>C, p.Asp424Ala (NM_001350937.2, NM_001350938.2); short protein forms D662A, D424A, D585A, D563A.
Identifiers: ClinVar variation 3680811 (VCV003680811.2).

ClinVar aggregate classification (germline): Uncertain significance (1 of 4 stars; one submission).

Submission:

Labcorp Genetics (formerly Invitae), Labcorp
Classification: Uncertain significance. Last evaluated: 2024-04-25. Review status: criteria provided, single submitter. Criteria: Invitae Variant Classification Sherloc (09022015). Collection method: clinical testing. Allele origin: germline.
Comment: This sequence change replaces aspartic acid, which is acidic and polar, with alanine, which is neutral and non-polar, at codon 662 of the ZCCHC8 protein (p.Asp662Ala). This variant is not present in population databases (gnomAD no frequency). This variant has not been reported in the literature in individuals affected with ZCCHC8-related conditions. Advanced modeling of protein sequence and biophysical properties (such as structural, functional, and spatial information, amino acid conservation, physicochemical variation, residue mobility, and thermodynamic stability) performed at Invitae indicates that this missense variant is not expected to disrupt ZCCHC8 protein function with a negative predictive value of 80%. Experimental studies are conflicting or provide insufficient evidence to determine the effect of this variant on ZCCHC8 function (PMID: 29844170). In summary, the available evidence is currently insufficient to determine the role of this variant in disease. Therefore, it has been classified as a Variant of Uncertain Significance.

Literature cited by the submitters: PubMed 29844170.